The following is an entry in ClinVar:

GRCh37/hg19 Xp22.2(chrX:11541839-12655449)x3

Genes: ARHGAP6 (Rho GTPase activating protein 6; minus strand), FRMPD4 (FERM and PDZ domain containing 4; plus strand), MSL3 (MSL complex subunit 3; plus strand). Cytogenetic location: Xp22.2.
Variant type: copy number gain.
Change: copy number 3 of chrX:11,541,839-12,655,449 (1.11 Mb, GRCh37 coordinates, 1-based), cytogenetic band Xp22.2.
Identifiers: ClinVar variation 202233 (VCV000202233.4).

ClinVar aggregate classification (germline): Uncertain significance (1 of 4 stars; one submission).

Submission:

Cytogenetics Laboratory, University of Washington
Classification: Uncertain significance. Last evaluated: 2015-04-27. Review status: criteria provided, single submitter. Criteria: UW Cytogenetics and Genomics Laboratory Policy on CNV Interpretation (5/6/2015). Collection method: clinical testing. Allele origin: paternal. Affected: yes. Observed: 1 variant allele.

Literature cited by the submitters: PubMed 20613765.